The following is an entry in ClinVar:

NM_001385682.1(MAP4):c.67C>T (p.Arg23Trp)

Gene: MAP4 (microtubule associated protein 4; minus strand). Cytogenetic location: 3p21.31.
Variant type: single nucleotide variant.
Coding change: c.67C>T on transcript NM_001385682.1 (MANE Select); coding-DNA position 67, C replaced by T.
Protein change: p.Arg23Trp; replaces arginine 23 with tryptophan.
Molecular consequence: missense variant. On other transcripts: intron variant (4).
Genome position (GRCh38, 1-based): chr3:47,998,794, G>A on the plus strand (C>T on the coding strand, the complement: MAP4 is on the minus strand). VCF-style: chr3-47998794-G-A. GRCh37 (hg19) VCF-style: chr3-48040284-G-A.
Other names: c.67C>T, p.Arg23Trp (NM_001134364.2, NM_001384675.1, NM_001384676.1 and 137 more transcripts); c.-98-20861C>T (NM_001384862.1, NM_001384845.1, NM_001384867.1 and 1 more transcripts); short protein forms R23W.
Identifiers: ClinVar variation 3034536 (VCV003034536.2), dbSNP rs760742452, ClinGen allele CA2371777.
Genomic context (GRCh38, chr3:47,998,794, plus strand): 5'-CAACAGTTTCTCCCACAACATCATCAAAGGCCTCTGCCTCTAGTGTGGCAATGAAGTCCC[G>A]CTTTATCTCTCCCTCAATGTCTGGAGATGGTTCTGTTAATGCATCTGCAAGACTGAGGTC-3'
Protein context (NP_001372611.1, residues 13-33): PSPDIEGEIK[Arg23Trp]DFIATLEAEA

ClinVar aggregate classification (germline): Likely benign (0 of 4 stars; one submission).

Conditions:
MAP4-related disorder. Also called: MAP4-related condition.

Allele frequency attached by ClinVar (database versions not stated): gnomAD 0.00013; gnomAD exomes 0.00019; TOPMed 0.00045; ExAC 0.00068.
gnomAD v4.1: 294 of 1,613,962 alleles (0.018%); highest among the groups gnomAD compares: Admixed American, 0.38%; no homozygotes.

Submission:

PreventionGenetics, part of Exact Sciences
Classification: Likely benign for MAP4-related condition. Last evaluated: 2019-07-24. Review status: no assertion criteria provided. Collection method: clinical testing. Allele origin: germline.
Comment: This variant is classified as likely benign based on ACMG/AMP sequence variant interpretation guidelines (Richards et al. 2015 PMID: 25741868, with internal and published modifications).